The following is an entry in ClinVar:

ClinVar aggregate classification (germline): Benign/Likely benign. Review status: criteria provided, multiple submitters, no conflicts (2 of 4 stars). 9 submissions from 9 submitters: Benign (3); Likely benign (6). Last evaluated 2026-04-01.

Conditions:
Cardiovascular phenotype. Identifiers: MedGen CN230736.
Long QT syndrome (LQTS). Identifiers: MedGen C0023976, MeSH D008133, MONDO:0002442. Disease mechanism: loss of function. Inheritance: Various modes of inheritance.

Allele frequency attached by ClinVar (database versions not stated): ExAC 0.00013; gnomAD exomes 0.00022; 1000 Genomes Project 0.00120; 1000 Genomes Project 30x 0.00125; gnomAD 0.00212 and 0.00228; TOPMed 0.00238.
gnomAD v4.1: 554 of 1,439,032 alleles (0.038%); highest among the groups gnomAD compares: African/African-American, 0.69%; 4 homozygotes.

Submissions (9):

CeGaT Center for Human Genetics Tuebingen
Classification: Likely benign. Last evaluated: 2026-04-01. Review status: criteria provided, single submitter. Criteria: CeGaT Center For Human Genetics Tuebingen Variant Classification Criteria Version 2. Collection method: clinical testing. Allele origin: germline. Affected: yes. Observed: 1 variant allele.
Comment: KCNH2: BP4, BP7, BS1

Molecular Diagnostic Laboratory for Inherited Cardiovascular Disease, Montreal Heart Institute
Classification: Likely benign. Last evaluated: 2026-03-27. Review status: criteria provided, single submitter. Criteria: ACMG Guidelines, 2015. Collection method: clinical testing. Allele origin: germline. Affected: no.
Comment: BS1;BP7

Labcorp Genetics (formerly Invitae), Labcorp
Classification: Likely benign for Long QT syndrome. Last evaluated: 2026-02-02. Review status: criteria provided, single submitter. Criteria: Invitae Variant Classification Sherloc (09022015). Collection method: clinical testing. Allele origin: germline.

Blueprint Genetics
Classification: Likely benign. Last evaluated: 2024-11-06. Review status: criteria provided, single submitter. Criteria: ACMG Guidelines, 2015. Collection method: clinical testing. Allele origin: germline.

Athena Diagnostics
Classification: Benign. Last evaluated: 2018-06-20. Review status: criteria provided, single submitter. Criteria: Athena Diagnostics Criteria. Collection method: clinical testing. Allele origin: germline.

Women's Health and Genetics/Laboratory Corporation of America, LabCorp
Classification: Benign. Last evaluated: 2017-03-13. Review status: criteria provided, single submitter. Criteria: LabCorp Variant Classification Summary - May 2015. Collection method: clinical testing. Allele origin: germline.
Comment: Variant summary: The KCNH2 c.558C>T (p.Gly186Gly) variant involves the alteration of a non-conserved nucleotide, resulting in a synonymous change. Mutation taster predicts a benign outcome for this variant. 2/5 splice prediction tools predict a creation of a cryptic splice donor site. ESE finder predicts that this variant may affect binding of ESE sites. However, these predictions have yet to be confirmed by functional studies. This variant was found in 6/2504 control chromosomes from 1000 genomes project at a frequency of 0.0023962, which is approximately 24 times the estimated maximal expected allele frequency of a pathogenic KCNH2 variant (0.0001), suggesting this variant is likely a benign polymorphism. It was only found in African subpopulation with an allele frequency of 0.005 (6/1322 chromosomes). In addition, multiple clinical diagnostic laboratories/reputable databases have classified this variant as benign. Taken together, this variant is classified as Benign.

Ambry Genetics
Classification: Likely benign for Cardiovascular phenotype. Last evaluated: 2016-06-14. Review status: criteria provided, single submitter. Criteria: Ambry Variant Classification Scheme 2023. Collection method: clinical testing. Allele origin: germline.

GeneDx
Classification: Benign. Last evaluated: 2013-01-14. Review status: criteria provided, single submitter. Criteria: GeneDx Variant Classification (06012015). Collection method: clinical testing. Allele origin: germline. Affected: yes.
Comment: This variant is considered likely benign or benign based on one or more of the following criteria: it is a conservative change, it occurs at a poorly conserved position in the protein, it is predicted to be benign by multiple in silico algorithms, and/or has population frequency not consistent with disease.

Breakthrough Genomics
Classification: Likely benign. Review status: criteria provided, single submitter. Criteria: ACMG Guidelines, 2015. Collection method: not provided. Allele origin: germline. Inheritance: Autosomal dominant inheritance. Affected: yes.

NM_000238.4(KCNH2):c.558C>T (p.Gly186=)

Gene: KCNH2 (potassium voltage-gated channel subfamily H member 2; minus strand). Cytogenetic location: 7q36.1.
Variant type: single nucleotide variant.
Coding change: c.558C>T on transcript NM_000238.4 (MANE Select); coding-DNA position 558, C replaced by T.
Protein change: p.Gly186=; no amino-acid change (glycine 186 retained).
Molecular consequence: synonymous variant. On other transcripts: non-coding transcript variant (1).
Genome position (GRCh38, 1-based): chr7:150,958,417, G>A on the plus strand (C>T on the coding strand, the complement: KCNH2 is on the minus strand). VCF-style: chr7-150958417-G-A. GRCh37 (hg19) VCF-style: chr7-150655505-G-A.
Other names: p.G186G:GGC>GGT; c.270C>T, p.Gly90= (NM_001406753.1, NM_001406756.1); c.381C>T, p.Gly127= (NM_001406755.1); c.258C>T, p.Gly86= (NM_001406757.1); c.558C>T, p.Gly186= (NM_172056.3).
Identifiers: ClinVar variation 200214 (VCV000200214.25), dbSNP rs139533994, ClinGen allele CA008570.